The following is an entry in ClinVar:

NM_000543.5(SMPD1):c.1792C>T (p.Gln598Ter)

Gene: SMPD1 (sphingomyelin phosphodiesterase 1; plus strand). Cytogenetic location: 11p15.4.
Variant type: single nucleotide variant.
Coding change: c.1792C>T on transcript NM_000543.5 (MANE Select); coding-DNA position 1792, C replaced by T.
Protein change: p.Gln598Ter; replaces glutamine 598 with a stop codon.
Molecular consequence: nonsense. On other transcripts: 3 prime UTR variant (1), non-coding transcript variant (2).
Genome position (GRCh38, 1-based): chr11:6,394,503, C>T. VCF-style: chr11-6394503-C-T. GRCh37 (hg19) VCF-style: chr11-6415733-C-T.
Other names: c.1789C>T, p.Gln597Ter (NM_001007593.3); c.*285C>T (NM_001318087.2); c.871C>T, p.Gln291Ter (NM_001318088.2); c.1660C>T, p.Gln554Ter (NM_001365135.2); short protein forms Q291*, Q554*, Q597*, Q598*.
Identifiers: ClinVar variation 2932778 (VCV002932778.3), dbSNP rs2493823963, ClinGen allele CA379377152.

ClinVar aggregate classification (germline): Pathogenic (1 of 4 stars; one submission).

Conditions:
Niemann-Pick disease, type A. Also called: Infantile Neurovisceral ASMD (Niemann-Pick Disease Type A; NPD-A); SPHINGOMYELIN LIPIDOSIS; SPHINGOMYELINASE DEFICIENCY. Identifiers: Orphanet 77292, MedGen C0268242, MONDO:0009756, OMIM 257200. Disease mechanism: loss of function.
Niemann-Pick disease, type B. Also called: Chronic Visceral ASMD (Niemann-Pick Disease Type B; NPD-B). Identifiers: Orphanet 77293, MedGen C0268243, MONDO:0011871, OMIM 607616. Disease mechanism: loss of function.

Allele frequency attached by ClinVar (database versions not stated): gnomAD exomes below 0.00001.

Submission:

Labcorp Genetics (formerly Invitae), Labcorp
Classification: Pathogenic for Niemann-Pick disease, type B; Niemann-Pick disease, type A. Last evaluated: 2023-07-07. Review status: criteria provided, single submitter. Criteria: Invitae Variant Classification Sherloc (09022015). Collection method: clinical testing. Allele origin: germline.
Comment: This sequence change creates a premature translational stop signal (p.Gln598*) in the SMPD1 gene. While this is not anticipated to result in nonsense mediated decay, it is expected to disrupt the last 34 amino acid(s) of the SMPD1 protein. This variant is not present in population databases (gnomAD no frequency). This variant has not been reported in the literature in individuals affected with SMPD1-related conditions. This variant disrupts a region of the SMPD1 protein in which other variant(s) (p.Arg610Cys) have been determined to be pathogenic (PMID: 26790753, 34660203). This suggests that this is a clinically significant region of the protein, and that variants that disrupt it are likely to be disease-causing. For these reasons, this variant has been classified as Pathogenic.

Literature cited by the submitters: PubMed 26790753; PubMed 34660203.